The following is an entry in ClinVar:

ClinVar aggregate classification (germline): Uncertain significance. Review status: criteria provided, multiple submitters, no conflicts (2 of 4 stars). 4 submissions from 4 submitters: Uncertain significance (4). Last evaluated 2026-01-11.

Conditions:
Mitochondrial DNA depletion syndrome 1. Also called: Mitochondrial DNA Depletion Syndrome, MNGIE Form; Mitochondrial Neurogastrointestinal Encephalopathy Disease; MITOCHONDRIAL NEUROGASTROINTESTINAL ENCEPHALOPATHY SYNDROME, TYMP-RELATED; MNGIE, TYMP-RELATED; Mitochondrial DNA depletion syndrome 1 (MNGIE type); Mitochondrial neurogastrointestinal encephalomyopathy syndrome. Identifiers: Orphanet 298, MedGen C4551995, MONDO:0011283, OMIM 603041.
Progressive sclerosing poliodystrophy (MTDPS4A). Also called: Mitochondrial DNA depletion syndrome 4A (Alpers type); Mitochondrial DNA Depletion Syndrome 4A; Alpers Syndrome; ALPERS DIFFUSE DEGENERATION OF CEREBRAL GRAY MATTER WITH HEPATIC CIRRHOSIS; Alpers-Huttenlocher Syndrome; ALPERS PROGRESSIVE INFANTILE POLIODYSTROPHY. Identifiers: Orphanet 726, MedGen C0205710, MONDO:0008758, OMIM 203700.
Mitochondrial DNA depletion syndrome 4b. Also called: MNGIE, POLG-RELATED; Mitochondrial Neurogastrointestinal Encephalopathy Disease, POLG-Related. Identifiers: Orphanet 298, MedGen C3150914, MONDO:0013350, OMIM 613662.
Progressive external ophthalmoplegia with mitochondrial DNA deletions, autosomal dominant 1 (PEOA1). Also called: PROGRESSIVE EXTERNAL OPHTHALMOPLEGIA, AUTOSOMAL DOMINANT 1; Autosomal Dominant Progressive External Ophthalmoplegia (adPEO). Identifiers: MedGen C1834846, MONDO:0024528, OMIM 157640.
Progressive external ophthalmoplegia with mitochondrial DNA deletions, autosomal recessive 1 (PEOB1). Also called: Progressive external ophthalmoplegia, autosomal recessive 1; Autosomal Recessive Progressive External Ophthalmoplegia (arPEO). Identifiers: Orphanet 254886, MedGen C4225153, MONDO:0009783, OMIM 258450.
Sensory ataxic neuropathy, dysarthria, and ophthalmoparesis (SANDO). Also called: SENSORY ATAXIC NEUROPATHY WITH MITOCHONDRIAL DNA DELETIONS, AUTOSOMAL RECESSIVE; Sensory ataxic neuropathy-dysarthria-ophthalmoparesis syndrome; Epilepsy, progressive myoclonic, type 5; Ataxia Neuropathy Spectrum (ANS). Identifiers: Orphanet 70595, MedGen C1843851, MONDO:0011835, OMIM 607459.

Allele frequency attached by ClinVar (database versions not stated): gnomAD 0.00001; gnomAD exomes 0.00001; TOPMed 0.00001.
gnomAD v4.1: 20 of 1,613,982 alleles (0.0012%); highest among the groups gnomAD compares: Non-Finnish European, 0.0017%; no homozygotes.

Submissions (4):

Labcorp Genetics (formerly Invitae), Labcorp
Classification: Uncertain significance for Progressive sclerosing poliodystrophy. Last evaluated: 2026-01-11. Review status: criteria provided, single submitter. Criteria: Invitae Variant Classification Sherloc (09022015). Collection method: clinical testing. Allele origin: germline.
Comment: This sequence change replaces glutamic acid, which is acidic and polar, with glutamine, which is neutral and polar, at codon 557 of the POLG protein (p.Glu557Gln). This variant is present in population databases (no rsID available, gnomAD 0.007%). This variant has not been reported in the literature in individuals affected with POLG-related conditions. ClinVar contains an entry for this variant (Variation ID: 571598). Invitae Evidence Modeling of protein sequence and biophysical properties (such as structural, functional, and spatial information, amino acid conservation, physicochemical variation, residue mobility, and thermodynamic stability) indicates that this missense variant is not expected to disrupt POLG protein function with a negative predictive value of 95%. In summary, the available evidence is currently insufficient to determine the role of this variant in disease. Therefore, it has been classified as a Variant of Uncertain Significance.

Mayo Clinic Laboratories, Mayo Clinic
Classification: Uncertain significance. Last evaluated: 2023-08-01. Review status: criteria provided, single submitter. Criteria: ACMG Guidelines, 2015. Collection method: clinical testing. Allele origin: germline. Observed: 1 variant allele.
Comment: BP4, PM2_moderate

Fulgent Genetics
Classification: Uncertain significance for Progressive external ophthalmoplegia with mitochondrial DNA deletions, autosomal dominant 1; Progressive sclerosing poliodystrophy; Progressive external ophthalmoplegia with mitochondrial DNA deletions, autosomal recessive 1; Mitochondrial DNA depletion syndrome 1; Sensory ataxic neuropathy, dysarthria, and ophthalmoparesis; Mitochondrial DNA depletion syndrome 4b. Last evaluated: 2021-07-12. Review status: criteria provided, single submitter. Criteria: ACMG Guidelines, 2015. Collection method: clinical testing. Allele origin: unknown.

Eurofins Ntd Llc (ga)
Classification: Uncertain significance. Last evaluated: 2017-08-22. Review status: criteria provided, single submitter. Criteria: EGL Classification Definitions 2015. Collection method: clinical testing. Allele origin: germline. Observed: 1 variant allele, 1 heterozygote.

NM_002693.3(POLG):c.1669G>C (p.Glu557Gln)

Gene: POLG (DNA polymerase gamma, catalytic subunit; minus strand). Cytogenetic location: 15q26.1.
Variant type: single nucleotide variant.
Coding change: c.1669G>C on transcript NM_002693.3 (MANE Select); coding-DNA position 1669, G replaced by C.
Protein change: p.Glu557Gln; replaces glutamic acid 557 with glutamine.
Molecular consequence: missense variant.
Genome position (GRCh38, 1-based): chr15:89,326,655, C>G on the plus strand (G>C on the coding strand, the complement: POLG is on the minus strand). VCF-style: chr15-89326655-C-G. GRCh37 (hg19) VCF-style: chr15-89869886-C-G.
Other names: p.Glu557Gln; c.1669G>C, p.Glu557Gln (NM_001126131.2); short protein forms E557Q.
Identifiers: ClinVar variation 571598 (VCV000571598.14), dbSNP rs1481695998, ClinGen allele CA393760505.